The following is an entry in ClinVar:

ClinVar aggregate classification (germline): Uncertain significance (1 of 4 stars; one submission).

Submission:

CeGaT Center for Human Genetics Tuebingen
Classification: Uncertain significance. Last evaluated: 2024-03-01. Review status: criteria provided, single submitter. Criteria: CeGaT Center For Human Genetics Tuebingen Variant Classification Criteria Version 2. Collection method: clinical testing. Allele origin: germline. Affected: yes. Observed: 1 variant allele.
Comment: OTOF: PM2, BP4

NM_194248.3(OTOF):c.328-8C>G

Gene: OTOF (otoferlin; minus strand). Cytogenetic location: 2p23.3.
Variant type: single nucleotide variant.
Coding change: c.328-8C>G on transcript NM_194248.3 (MANE Select); 8 bases into the intron before coding-DNA position 328, C replaced by G.
Molecular consequence: intron variant.
Genome position (GRCh38, 1-based): chr2:26,516,607, G>C on the plus strand (C>G on the coding strand, the complement: OTOF is on the minus strand). VCF-style: chr2-26516607-G-C. GRCh37 (hg19) VCF-style: chr2-26739475-G-C.
Other names: c.328-8C>G (NM_001287489.2).
Identifiers: ClinVar variation 3067780 (VCV003067780.21), dbSNP rs2465353663, ClinGen allele CA2825001082.